The following is an entry in ClinVar:

NM_014251.3(SLC25A13):c.1896G>A (p.Pro632=)

Gene: SLC25A13 (solute carrier family 25 member 13; minus strand). Cytogenetic location: 7q21.3.
Variant type: single nucleotide variant.
Coding change: c.1896G>A on transcript NM_014251.3 (MANE Select); coding-DNA position 1896, G replaced by A.
Protein change: p.Pro632=; no amino-acid change (proline 632 retained).
Molecular consequence: synonymous variant. On other transcripts: non-coding transcript variant (1).
Genome position (GRCh38, 1-based): chr7:96,121,323, C>T on the plus strand (G>A on the coding strand, the complement: SLC25A13 is on the minus strand). VCF-style: chr7-96121323-C-T. GRCh37 (hg19) VCF-style: chr7-95750635-C-T.
Other names: c.1896G>A (NM_014251.2); c.1899G>A, p.Pro633= (NM_001160210.2).
Identifiers: ClinVar variation 1159154 (VCV001159154.10), dbSNP rs764388459, ClinGen allele CA4352748.

ClinVar aggregate classification (germline): Likely benign. Review status: criteria provided, multiple submitters, no conflicts (2 of 4 stars). 3 submissions from 3 submitters: Likely benign (2). 1 of the submissions does not count toward it. Last evaluated 2024-12-18.

Conditions:
SLC25A13-related disorder. Also called: SLC25A13-related condition.
Citrin deficiency. Identifiers: Orphanet 247582, MedGen C1997910, MONDO:0016602.

Allele frequency attached by ClinVar (database versions not stated): gnomAD 0.00001; gnomAD exomes 0.00001 and 0.00002; ExAC 0.00002; TOPMed 0.00004.
gnomAD v4.1: 15 of 1,614,018 alleles (0.00093%); highest among the groups gnomAD compares: East Asian, 0.02%; no homozygotes.

Submissions (3):

Labcorp Genetics (formerly Invitae), Labcorp
Classification: Likely benign for Citrin deficiency. Last evaluated: 2024-12-18. Review status: criteria provided, single submitter. Criteria: Invitae Variant Classification Sherloc (09022015). Collection method: clinical testing. Allele origin: germline.

Blueprint Genetics
Classification: Likely benign. Last evaluated: 2023-12-12. Review status: criteria provided, single submitter. Criteria: ACMG Guidelines, 2015. Collection method: clinical testing. Allele origin: germline.

PreventionGenetics, part of Exact Sciences
Classification: Likely benign for SLC25A13-related condition. Last evaluated: 2021-05-13. Review status: no assertion criteria provided. Collection method: clinical testing. Allele origin: germline. Not counted in ClinVar's aggregate classification.
Comment: This variant is classified as likely benign based on ACMG/AMP sequence variant interpretation guidelines (Richards et al. 2015 PMID: 25741868, with internal and published modifications).